The following is an entry in ClinVar:

NM_153717.3(EVC):c.698A>C (p.His233Pro)

Gene: EVC (EvC ciliary complex subunit 1; plus strand). Cytogenetic location: 4p16.2.
Variant type: single nucleotide variant.
Coding change: c.698A>C on transcript NM_153717.3 (MANE Select); coding-DNA position 698, A replaced by C.
Protein change: p.His233Pro; replaces histidine 233 with proline.
Molecular consequence: missense variant.
Genome position (GRCh38, 1-based): chr4:5,733,431, A>C. VCF-style: chr4-5733431-A-C. GRCh37 (hg19) VCF-style: chr4-5735158-A-C.
Other names: c.698A>C (NM_153717.2); c.698A>C, p.His233Pro (NM_001306090.2, NM_001306092.2); short protein forms H233P.
Identifiers: ClinVar variation 2184066 (VCV002184066.2), dbSNP rs769431829, ClinGen allele CA356144281.

ClinVar aggregate classification (germline): Uncertain significance. Review status: criteria provided, multiple submitters, no conflicts (2 of 4 stars). 2 submissions from 2 submitters: Uncertain significance (2). Last evaluated 2022-08-12.

Conditions:
Inborn genetic diseases. Identifiers: MedGen C0950123, MeSH D030342.
Ellis-van Creveld syndrome (EVC). Also called: EVC-Related Ellis-van Creveld Syndrome; EVC2-Related Ellis-van Creveld Syndrome; MESOECTODERMAL DYSPLASIA; Chondroectodermal dysplasia. Identifiers: Orphanet 289, MedGen C0013903, MONDO:0009162, OMIM 225500.
Curry-Hall syndrome (WAD). Also called: WEYERS ACRODENTAL DYSOSTOSIS. Identifiers: Orphanet 952, MedGen C0457013, MONDO:0008673, OMIM 193530.

Allele frequency attached by ClinVar (database versions not stated): gnomAD 0.00001; TOPMed 0.00001.
gnomAD v4.1: 3 of 1,613,750 alleles (0.00019%); highest among the groups gnomAD compares: Non-Finnish European, 0.00025%; no homozygotes.

Submissions (2):

Ambry Genetics
Classification: Uncertain significance for Inborn genetic diseases. Last evaluated: 2022-08-12. Review status: criteria provided, single submitter. Criteria: Ambry Variant Classification Scheme 2023. Collection method: clinical testing. Allele origin: germline.

Labcorp Genetics (formerly Invitae), Labcorp
Classification: Uncertain significance for Curry-Hall syndrome; Ellis-van Creveld syndrome. Last evaluated: 2022-06-17. Review status: criteria provided, single submitter. Criteria: Invitae Variant Classification Sherloc (09022015). Collection method: clinical testing. Allele origin: germline.
Comment: This sequence change replaces histidine, which is basic and polar, with proline, which is neutral and non-polar, at codon 233 of the EVC protein (p.His233Pro). This variant is not present in population databases (gnomAD no frequency). This variant has not been reported in the literature in individuals affected with EVC-related conditions. Algorithms developed to predict the effect of missense changes on protein structure and function are either unavailable or do not agree on the potential impact of this missense change (SIFT: "Deleterious"; PolyPhen-2: "Possibly Damaging"; Align-GVGD: "Class C0"). In summary, the available evidence is currently insufficient to determine the role of this variant in disease. Therefore, it has been classified as a Variant of Uncertain Significance.